The following is an entry in ClinVar:

NM_139058.3(ARX):c.447G>C (p.Ala149=)

Genes: ARX (aristaless related homeobox; minus strand), LOC109610631 (aristaless related homeobox polyalanine expansion region; plus strand). Cytogenetic location: Xp21.3.
Variant type: single nucleotide variant.
Coding change: c.447G>C on transcript NM_139058.3 (MANE Select); coding-DNA position 447, G replaced by C.
Protein change: p.Ala149=; no amino-acid change (alanine 149 retained).
Molecular consequence: synonymous variant.
Genome position (GRCh38, 1-based): chrX:25,013,548, C>G on the plus strand (G>C on the coding strand, the complement: ARX is on the minus strand). VCF-style: chrX-25013548-C-G. GRCh37 (hg19) VCF-style: chrX-25031665-C-G.
Identifiers: ClinVar variation 288382 (VCV000288382.26), dbSNP rs745705522, ClinGen allele CA10373900.

ClinVar aggregate classification (germline): Conflicting classifications of pathogenicity. Review status: criteria provided, conflicting classifications (1 of 4 stars). 6 submissions from 6 submitters: Uncertain significance (1); Benign (1); Likely benign (4). Last evaluated 2026-02-02.

Conditions:
Inborn genetic diseases. Identifiers: MedGen C0950123, MeSH D030342.
ARX-related disorder. Also called: ARX-related condition; ARX-Related Disorders. Identifiers: MedGen CN378769.
Intellectual disability, X-linked, with or without seizures, ARX-related. Also called: MENTAL RETARDATION, X-LINKED 29; MENTAL RETARDATION, X-LINKED 32; MENTAL RETARDATION, X-LINKED 33; MENTAL RETARDATION, X-LINKED 38; MENTAL RETARDATION, X-LINKED 43; MENTAL RETARDATION, X-LINKED 76. Identifiers: Orphanet 777, MedGen C0796244, MONDO:0010317, OMIM 300419.
Developmental and epileptic encephalopathy, 1 (DEE1). Also called: Epileptic encephalopathy, early infantile, 1; X-linked infantile spasms; West's syndrome; Tonic spasms with clustering, arrest of psychomotor development and hypsarrhythmia on EEG; X-Linked Infantile Spasm Syndrome; INFANTILE SPASM SYNDROME, X-LINKED 1. Identifiers: MedGen C3463992, MONDO:0010632, OMIM 308350. Disease mechanism: loss of function.

Allele frequency attached by ClinVar (database versions not stated): ExAC below 0.00001; gnomAD exomes 0.00023 and 0.01079; gnomAD 0.00069 and 0.00071; TOPMed 0.00073.

Submissions (6):

Labcorp Genetics (formerly Invitae), Labcorp
Classification: Likely benign for Developmental and epileptic encephalopathy, 1; Intellectual disability, X-linked, with or without seizures, ARX-related. Last evaluated: 2026-02-02. Review status: criteria provided, single submitter. Criteria: Invitae Variant Classification Sherloc (09022015). Collection method: clinical testing. Allele origin: germline.

PreventionGenetics, part of Exact Sciences
Classification: Likely benign for ARX-related condition. Last evaluated: 2025-03-24. Review status: criteria provided, single submitter. Criteria: ACMG Guidelines, 2015. Collection method: clinical testing. Allele origin: germline.
Comment: This variant is classified as likely benign based on ACMG/AMP sequence variant interpretation guidelines (Richards et al. 2015 PMID: 25741868, with internal and published modifications).

Blueprint Genetics
Classification: Likely benign. Last evaluated: 2024-07-17. Review status: criteria provided, single submitter. Criteria: ACMG Guidelines, 2015. Collection method: clinical testing. Allele origin: germline.

Ambry Genetics
Classification: Likely benign for Inborn genetic diseases. Last evaluated: 2018-01-23. Review status: criteria provided, single submitter. Criteria: Ambry Variant Classification Scheme 2023. Collection method: clinical testing. Allele origin: germline.

Eurofins Ntd Llc (ga)
Classification: Uncertain significance. Last evaluated: 2016-07-05. Review status: criteria provided, single submitter. Criteria: EGL Classification Definitions 2015. Collection method: clinical testing. Allele origin: germline. Observed: 1 variant allele, 1 heterozygote.

GeneDx
Classification: Benign. Last evaluated: 2015-03-03. Review status: criteria provided, single submitter. Criteria: GeneDx Variant Classification Process June 2021. Collection method: clinical testing. Allele origin: germline. Affected: yes.